The following is an entry in ClinVar:

ClinVar aggregate classification (germline): Uncertain significance (1 of 4 stars; one submission).

Conditions:
Biotin-responsive basal ganglia disease (BTBGD). Also called: THIAMINE METABOLISM DYSFUNCTION SYNDROME 2 (BIOTIN- AND THIAMINE-RESPONSIVE TYPE); Thiamine Transporter-2 Deficiency; Thiamine metabolism dysfunction syndrome 2 (biotin- or thiamine-responsive encephalopathy type 2); thiamine-responsive encephalopathy; Thiamine metabolism dysfunction syndrome type 2. Identifiers: Orphanet 199348, Orphanet 65284, MedGen C1843807, MONDO:0011841, OMIM 607483.

Allele frequency attached by ClinVar (database versions not stated): gnomAD exomes below 0.00001; TOPMed below 0.00001; gnomAD 0.00001.

Submission:

Labcorp Genetics (formerly Invitae), Labcorp
Classification: Uncertain significance for Biotin-responsive basal ganglia disease. Last evaluated: 2022-02-19. Review status: criteria provided, single submitter. Criteria: Invitae Variant Classification Sherloc (09022015). Collection method: clinical testing. Allele origin: germline.
Comment: This sequence change replaces methionine, which is neutral and non-polar, with valine, which is neutral and non-polar, at codon 192 of the SLC19A3 protein (p.Met192Val). This variant is not present in population databases (gnomAD no frequency). This variant has not been reported in the literature in individuals affected with SLC19A3-related conditions. Algorithms developed to predict the effect of missense changes on protein structure and function are either unavailable or do not agree on the potential impact of this missense change (SIFT: "Tolerated"; PolyPhen-2: "Possibly Damaging"; Align-GVGD: "Class C0"). In summary, the available evidence is currently insufficient to determine the role of this variant in disease. Therefore, it has been classified as a Variant of Uncertain Significance.

NM_025243.4(SLC19A3):c.574A>G (p.Met192Val)

Gene: SLC19A3 (solute carrier family 19 member 3; minus strand). Cytogenetic location: 2q36.3.
Variant type: single nucleotide variant.
Coding change: c.574A>G on transcript NM_025243.4 (MANE Select); coding-DNA position 574, A replaced by G.
Protein change: p.Met192Val; replaces methionine 192 with valine.
Molecular consequence: missense variant.
Genome position (GRCh38, 1-based): chr2:227,699,141, T>C on the plus strand (A>G on the coding strand, the complement: SLC19A3 is on the minus strand). VCF-style: chr2-227699141-T-C. GRCh37 (hg19) VCF-style: chr2-228563857-T-C.
Other names: c.574A>G, p.Met192Val (NM_001371412.1, NM_001371411.1); c.562A>G, p.Met188Val (NM_001371413.1, NM_001371414.1); short protein forms M188V, M192V.
Identifiers: ClinVar variation 2099501 (VCV002099501.1), dbSNP rs1695566224, ClinGen allele CA350876944.